The following is an entry in ClinVar:

NM_000257.4(MYH7):c.346-5C>T

Gene: MYH7 (myosin heavy chain 7; minus strand). Cytogenetic location: 14q11.2.
Variant type: single nucleotide variant.
Coding change: c.346-5C>T on transcript NM_000257.4 (MANE Select); 5 bases into the intron before coding-DNA position 346, C replaced by T.
Molecular consequence: intron variant.
Genome position (GRCh38, 1-based): chr14:23,432,800, G>A on the plus strand (C>T on the coding strand, the complement: MYH7 is on the minus strand). VCF-style: chr14-23432800-G-A. GRCh37 (hg19) VCF-style: chr14-23902009-G-A.
Identifiers: ClinVar variation 1630157 (VCV001630157.9), dbSNP rs1893002770, ClinGen allele CA2123454396.

ClinVar aggregate classification (germline): Likely benign. Review status: criteria provided, multiple submitters, no conflicts (2 of 4 stars). 2 submissions from 2 submitters: Likely benign (2). Last evaluated 2025-09-14.

Conditions:
Cardiomyopathy (CMYO). Also called: Cardiomyopathies. Identifiers: Orphanet 167848, MedGen C0878544, MONDO:0004994, HP:0001638. Inheritance: Various modes of inheritance.
Hypertrophic cardiomyopathy. Also called: HYPERTROPHIC MYOCARDIOPATHY. Identifiers: Orphanet 217569, MedGen C0007194, MeSH D002312, MONDO:0005045, HP:0001639.

Allele frequency attached by ClinVar (database versions not stated): gnomAD exomes below 0.00001.
gnomAD v4.1: 7 of 1,614,146 alleles (0.00043%); highest among the groups gnomAD compares: Non-Finnish European, 0.00051%; no homozygotes.

Submissions (2):

Labcorp Genetics (formerly Invitae), Labcorp
Classification: Likely benign for Hypertrophic cardiomyopathy. Last evaluated: 2025-09-14. Review status: criteria provided, single submitter. Criteria: Invitae Variant Classification Sherloc (09022015). Collection method: clinical testing. Allele origin: germline.

All of Us Research Program, National Institutes of Health
Classification: Likely benign for Cardiomyopathy. Last evaluated: 2024-07-20. Review status: criteria provided, single submitter. Criteria: ACMG Guidelines, 2015. Collection method: clinical testing. Allele origin: germline. Inheritance: Autosomal dominant inheritance. Observed: 3 variant alleles, 3 heterozygotes.
Comment: This study involves interpretation of variants in research participants for the purpose of population health screening. Participant phenotype was not available at the time of variant classification. Additional details can be found in publication PMID: 35346344, PMCID: PMC8962531